The following is an entry in ClinVar:

ClinVar aggregate classification (germline): Pathogenic/Likely pathogenic. Review status: criteria provided, multiple submitters, no conflicts (2 of 4 stars). 3 submissions from 3 submitters: Pathogenic (1); Likely pathogenic (1). 1 of the submissions does not count toward it. Last evaluated 2026-04-08.

Conditions:
Achromatopsia 2 (ACHM2). Also called: COLORBLINDNESS, TOTAL; ROD MONOCHROMACY 2; ROD MONOCHROMATISM 2. Identifiers: Orphanet 49382, MedGen C1857618, MONDO:0009003, OMIM 216900.

Allele frequency attached by ClinVar (database versions not stated): TOPMed 0.00001; gnomAD exomes below 0.00001.
gnomAD v4.1: 4 of 1,614,102 alleles (0.00025%); highest among the groups gnomAD compares: African/African-American, 0.0027%; no homozygotes.

Submissions (3):

Dasa
Classification: Likely pathogenic. Last evaluated: 2026-04-08. Review status: criteria provided, single submitter. Criteria: DASA Assertion Criteria. Collection method: clinical testing. Allele origin: germline.
Comment: NM_001298.3(CNGA3):c.1775C>T (p.Pro592Leu) is a missense variant that results in the substitution of proline with leucine. This variant has been reported in individuals with CNGA3-related disorders (PMID: 37372476). Also, this variant is rare in population databases. Computational evidence supports a deleterious effect. Based on the currently available evidence, this variant is classified as likely pathogenic.

Labcorp Genetics (formerly Invitae), Labcorp
Classification: Pathogenic. Last evaluated: 2025-01-06. Review status: criteria provided, single submitter. Criteria: Invitae Variant Classification Sherloc (09022015). Collection method: clinical testing. Allele origin: germline.
Comment: This sequence change replaces proline, which is neutral and non-polar, with leucine, which is neutral and non-polar, at codon 592 of the CNGA3 protein (p.Pro592Leu). This variant is present in population databases (no rsID available, gnomAD 0.007%). This missense change has been observed in individual(s) with inherited retinal dystrophy (internal data). In at least one individual the data is consistent with being in trans (on the opposite chromosome) from a pathogenic variant. ClinVar contains an entry for this variant (Variation ID: 1034766). Invitae Evidence Modeling of protein sequence and biophysical properties (such as structural, functional, and spatial information, amino acid conservation, physicochemical variation, residue mobility, and thermodynamic stability) indicates that this missense variant is expected to disrupt CNGA3 protein function with a positive predictive value of 95%. For these reasons, this variant has been classified as Pathogenic.

Molecular Genetics Laboratory, Institute for Ophthalmic Research
Classification: Likely pathogenic for Achromatopsia 2. Last evaluated: 2021-04-15. Review status: no assertion criteria provided. Collection method: research. Allele origin: germline. Affected: yes. Not counted in ClinVar's aggregate classification.

Literature cited by the submitters: PubMed 37372476 (cited by Dasa).

NM_001298.3(CNGA3):c.1775C>T (p.Pro592Leu)

Gene: CNGA3 (cyclic nucleotide gated channel subunit alpha 3; plus strand). Cytogenetic location: 2q11.2.
Variant type: single nucleotide variant.
Coding change: c.1775C>T on transcript NM_001298.3 (MANE Select); coding-DNA position 1775, C replaced by T.
Protein change: p.Pro592Leu; replaces proline 592 with leucine.
Molecular consequence: missense variant.
Genome position (GRCh38, 1-based): chr2:98,396,945, C>T. VCF-style: chr2-98396945-C-T. GRCh37 (hg19) VCF-style: chr2-99013408-C-T.
Other names: c.1721C>T, p.Pro574Leu (NM_001079878.2); short protein forms P592L, P574L.
Identifiers: ClinVar variation 1034766 (VCV001034766.12), dbSNP rs1374130283, ClinGen allele CA347834269.
Genomic context (GRCh38, chr2:98,396,945, plus strand): 5'-GCTACTCAGACCTGTTCTGCCTCTCAAAGGACGATCTCATGGAGGCCCTCACCGAGTACC[C>T]CGAAGCCAAGAAGGCCCTGGAGGAGAAAGGACGGCAGATCCTGATGAAAGACAACCTGAT-3'
Protein context (NP_001289.1, residues 582-602): DDLMEALTEY[Pro592Leu]EAKKALEEKG